The following is an entry in ClinVar:

ClinVar aggregate classification (germline): Uncertain significance. Review status: criteria provided, multiple submitters, no conflicts (2 of 4 stars). 3 submissions from 3 submitters: Uncertain significance (3). Last evaluated 2025-09-22.

Conditions:
Hereditary cancer-predisposing syndrome. Also called: Hereditary neoplastic syndrome; Neoplastic Syndromes, Hereditary; Tumor predisposition; Hereditary Cancer Syndrome. Identifiers: Orphanet 140162, MedGen C0027672, MeSH D009386, MONDO:0015356.
Tuberous sclerosis 2 (TSC2). Identifiers: Orphanet 805, MedGen C1860707, MONDO:0013199, OMIM 613254.

Submissions (3):

Labcorp Genetics (formerly Invitae), Labcorp
Classification: Uncertain significance for Tuberous sclerosis 2. Last evaluated: 2025-09-22. Review status: criteria provided, single submitter. Criteria: Invitae Variant Classification Sherloc (09022015). Collection method: clinical testing. Allele origin: germline.
Comment: This sequence change replaces proline, which is neutral and non-polar, with serine, which is neutral and polar, at codon 541 of the TSC2 protein (p.Pro541Ser). This variant is not present in population databases (gnomAD no frequency). This variant has not been reported in the literature in individuals affected with TSC2-related conditions. ClinVar contains an entry for this variant (Variation ID: 1021758). Invitae Evidence Modeling of protein sequence and biophysical properties (such as structural, functional, and spatial information, amino acid conservation, physicochemical variation, residue mobility, and thermodynamic stability) indicates that this missense variant is not expected to disrupt TSC2 protein function with a negative predictive value of 95%. In summary, the available evidence is currently insufficient to determine the role of this variant in disease. Therefore, it has been classified as a Variant of Uncertain Significance.

Ambry Genetics
Classification: Uncertain significance for Hereditary cancer-predisposing syndrome. Last evaluated: 2025-08-05. Review status: criteria provided, single submitter. Criteria: Ambry Variant Classification Scheme 2023. Collection method: clinical testing. Allele origin: germline.
Comment: The p.P541S variant (also known as c.1621C>T), located in coding exon 15 of the TSC2 gene, results from a C to T substitution at nucleotide position 1621. The proline at codon 541 is replaced by serine, an amino acid with similar properties. This amino acid position is conserved. In addition, this alteration is predicted to be tolerated by in silico analysis. Based on the available evidence, the clinical significance of this variant remains unclear.

GeneDx
Classification: Uncertain significance. Last evaluated: 2024-12-01. Review status: criteria provided, single submitter. Criteria: GeneDx Variant Classification Process June 2021. Collection method: clinical testing. Allele origin: germline. Affected: yes.
Comment: Not observed at significant frequency in large population cohorts (gnomAD); In silico analysis indicates that this missense variant does not alter protein structure/function; Has not been previously published as pathogenic or benign to our knowledge

NM_000548.5(TSC2):c.1621C>T (p.Pro541Ser)

Gene: TSC2 (TSC complex subunit 2; plus strand). Cytogenetic location: 16p13.3.
Variant type: single nucleotide variant.
Coding change: c.1621C>T on transcript NM_000548.5 (MANE Select); coding-DNA position 1621, C replaced by T.
Protein change: p.Pro541Ser; replaces proline 541 with serine.
Molecular consequence: missense variant.
Genome position (GRCh38, 1-based): chr16:2,065,540, C>T. VCF-style: chr16-2065540-C-T. GRCh37 (hg19) VCF-style: chr16-2115541-C-T.
Other names: c.1621C>T, p.Pro541Ser (NM_001077183.3, NM_001114382.3, NM_001363528.2 and 3 more transcripts); c.1510C>T, p.Pro504Ser (NM_001318827.2); c.1474C>T, p.Pro492Ser (NM_001318829.2); c.1021C>T, p.Pro341Ser (NM_001318831.2); c.1654C>T, p.Pro552Ser (NM_001318832.2); short protein forms P341S, P492S, P504S, P541S, P552S.
Identifiers: ClinVar variation 1021758 (VCV001021758.12), dbSNP rs1596317209, ClinGen allele CA394267694.
Genomic context (GRCh38, chr16:2,065,540, plus strand): 5'-CCATGAGCCTGTGTGTAAGTCCTGGCCTTCTCTTCAAAGGTGATGGCCCGCTCCCTCTCC[C>T]CACCCCCGGAGCTGGAAGAAAGGGATGTGGCCGCATACTCGGCCTCCTTGGAGGATGTGA-3'
Protein context (NP_000539.2, residues 531-551): IEKVMARSLS[Pro541Ser]PPELEERDVA